The following is an entry in ClinVar:

NM_178013.4(PRIMA1):c.47C>T (p.Ser16Leu)

Gene: PRIMA1 (proline rich membrane anchor 1; minus strand). Cytogenetic location: 14q32.12.
Variant type: single nucleotide variant.
Coding change: c.47C>T on transcript NM_178013.4 (MANE Select); coding-DNA position 47, C replaced by T.
Protein change: p.Ser16Leu; replaces serine 16 with leucine.
Molecular consequence: missense variant.
Genome position (GRCh38, 1-based): chr14:93,787,672, G>A on the plus strand (C>T on the coding strand, the complement: PRIMA1 is on the minus strand). VCF-style: chr14-93787672-G-A. GRCh37 (hg19) VCF-style: chr14-94254018-G-A.
Other names: short protein forms S16L.
Identifiers: ClinVar variation 934629 (VCV000934629.10), dbSNP rs1366936289, ClinGen allele CA391146990.

ClinVar aggregate classification (germline): Uncertain significance (1 of 4 stars; one submission).

Conditions:
Familial sleep-related hypermotor epilepsy. Also called: Autosomal Dominant Sleep-Related Hypermotor (Hyperkinetic) Epilepsy. Identifiers: Orphanet 98784, MedGen C3696898, MONDO:0000030.

Submission:

Labcorp Genetics (formerly Invitae), Labcorp
Classification: Uncertain significance for Familial sleep-related hypermotor epilepsy. Last evaluated: 2019-10-10. Review status: criteria provided, single submitter. Criteria: Invitae Variant Classification Sherloc (09022015). Collection method: clinical testing. Allele origin: germline.
Comment: The frequency data for this variant in the population databases is considered unreliable, as metrics indicate insufficient coverage at this position in the ExAC database. In summary, the available evidence is currently insufficient to determine the role of this variant in disease. Therefore, it has been classified as a Variant of Uncertain Significance. Algorithms developed to predict the effect of missense changes on protein structure and function are either unavailable or do not agree on the potential impact of this missense change (SIFT: "Deleterious"; PolyPhen-2: "Probably Damaging"; Align-GVGD: "Class C0"). This variant has not been reported in the literature in individuals with PRIMA1-related conditions. This sequence change replaces serine with leucine at codon 16 of the PRIMA1 protein (p.Ser16Leu). The serine residue is highly conserved and there is a large physicochemical difference between serine and leucine.